The following is an entry in ClinVar:

ClinVar aggregate classification (germline): Pathogenic (1 of 4 stars; one submission).

Conditions:
Pitt-Hopkins syndrome (PTHS). Also called: MENTAL RETARDATION, SYNDROMAL, WITH INTERMITTENT HYPERVENTILATION; ENCEPHALOPATHY, SEVERE EPILEPTIC, WITH AUTONOMIC DYSFUNCTION. Identifiers: Orphanet 2896, MedGen C1970431, MONDO:0012589, OMIM 610954.

Submission:

Labcorp Genetics (formerly Invitae), Labcorp
Classification: Pathogenic for Pitt-Hopkins syndrome. Last evaluated: 2020-08-29. Review status: criteria provided, single submitter. Criteria: Invitae Variant Classification Sherloc (09022015). Collection method: clinical testing. Allele origin: germline.
Comment: This sequence change creates a premature translational stop signal (p.Gln504Alafs*9) in the TCF4 gene. It is expected to result in an absent or disrupted protein product. This variant is not present in population databases (ExAC no frequency). This variant has not been reported in the literature in individuals with TCF4-related conditions. Loss-of-function variants in TCF4 are known to be pathogenic (PMID: 18728071, 22045651). For these reasons, this variant has been classified as Pathogenic.

Literature cited by the submitters: PubMed 18728071; PubMed 22045651.

NM_001083962.2(TCF4):c.1505dup (p.Gln504fs)

Gene: TCF4 (transcription factor 4; minus strand). Cytogenetic location: 18q21.2.
Variant type: Duplication.
Coding change: c.1505dup on transcript NM_001083962.2 (MANE Select); coding-DNA position 1505, one base duplicated (A; older notation c.1505dupA).
Protein change: p.Gln504fs; shifts the reading frame from glutamine 504.
Molecular consequence: frameshift variant.
Genome position (GRCh38, 1-based): chr18:55,232,653, T duplicated on the plus strand (A on the coding strand, the reverse complement: TCF4 is on the minus strand). VCF-style (leftmost placement, unchanged base first): chr18-55232652-C-CT. GRCh37 (hg19) VCF-style: chr18-52899883-C-CT.
Other names: c.1811dup, p.Gln606fs (NM_001243226.3); c.1433dup, p.Gln480fs (NM_001243227.2, NM_001306207.1, NM_001348217.1 and 5 more transcripts); c.1523dup, p.Gln510fs (NM_001243228.2); c.1496dup, p.Gln501fs (NM_001243230.2); c.1379dup, p.Gln462fs (NM_001243231.2, NM_001348211.2); c.1292dup, p.Gln433fs (NM_001243232.1, NM_001306208.1); c.1115dup, p.Gln374fs (NM_001243233.2, NM_001330605.3, NM_001348212.2 and 1 more transcripts); c.1025dup, p.Gln344fs (NM_001243234.2, NM_001243235.2, NM_001243236.2 and 1 more transcripts); and 6 more; short protein forms Q288fs, Q343fs, Q344fs, Q374fs, Q433fs, Q462fs, Q479fs, Q480fs.
Identifiers: ClinVar variation 1069805 (VCV001069805.2), dbSNP rs2144596313, ClinGen allele CA2499225225.